The following is an entry in ClinVar:

NM_001082486.2(ACD):c.-38A>T

Gene: ACD (ACD shelterin complex subunit and telomerase recruitment factor; minus strand). Cytogenetic location: 16q22.1.
Variant type: single nucleotide variant.
Coding change: c.-38A>T on transcript NM_001082486.2 (MANE Select); 38 bases upstream of the start codon, A replaced by T.
Molecular consequence: 5 prime UTR variant.
Genome position (GRCh38, 1-based): chr16:67,660,258, T>A on the plus strand (A>T on the coding strand, the complement: ACD is on the minus strand). VCF-style: chr16-67660258-T-A. GRCh37 (hg19) VCF-style: chr16-67694161-T-A.
Other names: c.221A>T (NM_001082486.1); c.-38A>T (NM_001410884.1, NM_022914.3).
Identifiers: ClinVar variation 1949883 (VCV001949883.6), dbSNP rs1022549385, ClinGen allele CA283218771.

ClinVar aggregate classification (germline): Uncertain significance. Review status: criteria provided, multiple submitters, no conflicts (2 of 4 stars). 2 submissions from 2 submitters: Uncertain significance (2). Last evaluated 2023-09-18.

Conditions:
Dyskeratosis congenita, autosomal dominant 6 (DKCA6). Identifiers: Orphanet 3322, MedGen C4225284, MONDO:0014690, OMIM 616553.
Inborn genetic diseases. Identifiers: MedGen C0950123, MeSH D030342.

Allele frequency attached by ClinVar (database versions not stated): gnomAD exomes below 0.00001; gnomAD 0.00001; TOPMed 0.00001.
gnomAD v4.1: 2 of 1,612,160 alleles (0.00012%); highest among the groups gnomAD compares: African/African-American, 0.0027%; no homozygotes.

Submissions (2):

Ambry Genetics
Classification: Uncertain significance for Inborn genetic diseases. Last evaluated: 2023-09-18. Review status: criteria provided, single submitter. Criteria: Ambry Variant Classification Scheme 2023. Collection method: clinical testing. Allele origin: germline.
Comment: The p.N74I variant (also known as c.221A>T), located in coding exon 1 of the ACD gene, results from an A to T substitution at nucleotide position 221. The asparagine at codon 74 is replaced by isoleucine, an amino acid with dissimilar properties. This amino acid position is conserved. In addition, this alteration is predicted to be tolerated by in silico analysis. Since supporting evidence is limited at this time, the clinical significance of this alteration remains unclear.

Labcorp Genetics (formerly Invitae), Labcorp
Classification: Uncertain significance for Dyskeratosis congenita, autosomal dominant 6. Last evaluated: 2022-08-23. Review status: criteria provided, single submitter. Criteria: Invitae Variant Classification Sherloc (09022015). Collection method: clinical testing. Allele origin: germline.
Comment: Algorithms developed to predict the effect of missense changes on protein structure and function output the following: SIFT: "Deleterious"; PolyPhen-2: "Benign"; Align-GVGD: "Class C0". The isoleucine amino acid residue is found in multiple mammalian species, which suggests that this missense change does not adversely affect protein function. This variant has not been reported in the literature in individuals affected with ACD-related conditions. This variant is not present in population databases (gnomAD no frequency). This sequence change replaces asparagine, which is neutral and polar, with isoleucine, which is neutral and non-polar, at codon 74 of the ACD protein (p.Asn74Ile). In summary, the available evidence is currently insufficient to determine the role of this variant in disease. Therefore, it has been classified as a Variant of Uncertain Significance.